The following is an entry in ClinVar:

ClinVar aggregate classification (germline): Conflicting classifications of pathogenicity. Review status: criteria provided, conflicting classifications (1 of 4 stars). 5 submissions from 5 submitters: Pathogenic (3); Uncertain significance (1). 1 of the submissions does not count toward it. Last evaluated 2025-11-26.

Conditions:
H syndrome. Also called: FAISALABAD HISTIOCYTOSIS; Pigmented hypertrichosis and insulin-dependent diabetes mellitus; Asrar Facharzt Haque syndrome; HISTIOCYTOSIS AND LYMPHADENOPATHY WITH OR WITHOUT CUTANEOUS, CARDIAC, AND/OR ENDOCRINE FEATURES, JOINT CONTRACTURES, AND/OR DEAFNESS; HYPERPIGMENTATION, CUTANEOUS, WITH HYPERTRICHOSIS, HEPATOSPLENOMEGALY, HEART ANOMALIES, AND HYPOGONADISM WITH OR WITHOUT HEARING LOSS; PIGMENTED HYPERTRICHOSIS WITH INSULIN-DEPENDENT DIABETES MELLITUS. Identifiers: Orphanet 168569, MedGen C1864445, MONDO:0011273, OMIM 602782.

Allele frequency attached by ClinVar (database versions not stated): ExAC 0.00001; gnomAD exomes 0.00001 and 0.00002; TOPMed 0.00002.

Submissions (5):

Labcorp Genetics (formerly Invitae), Labcorp
Classification: Pathogenic for H syndrome. Last evaluated: 2025-11-26. Review status: criteria provided, single submitter. Criteria: Invitae Variant Classification Sherloc (09022015). Collection method: clinical testing. Allele origin: germline.
Comment: This sequence change replaces arginine, which is basic and polar, with glutamine, which is neutral and polar, at codon 363 of the SLC29A3 protein (p.Arg363Gln). This variant is present in population databases (rs387907066, gnomAD 0.003%). This missense change has been observed in individual(s) with SLC29A3-related disease (PMID: 19889517, 21888995, 23530176, 27364927, 29808591; internal data). In at least one individual the data is consistent with being in trans (on the opposite chromosome) from a pathogenic variant. ClinVar contains an entry for this variant (Variation ID: 30948). Invitae Evidence Modeling of protein sequence and biophysical properties (such as structural, functional, and spatial information, amino acid conservation, physicochemical variation, residue mobility, and thermodynamic stability) indicates that this missense variant is expected to disrupt SLC29A3 protein function with a positive predictive value of 95%. For these reasons, this variant has been classified as Pathogenic.

3billion
Classification: Pathogenic for H syndrome. Last evaluated: 2024-11-07. Review status: criteria provided, single submitter. Criteria: ACMG Guidelines, 2015. Collection method: clinical testing. Allele origin: germline. Affected: yes.
Comment: The variant is observed at an extremely low frequency in the gnomAD v4.1.0 dataset (total allele frequency: 0.002%). Predicted Consequence/Location: Missense variant In silico tool predictions suggest damaging effect of the variant on gene or gene product [REVEL: 0.74 (>=0.6, sensitivity 0.68 and specificity 0.92); 3Cnet: 0.63 (>=0.6, sensitivity 0.72 and precision 0.9)]. The same nucleotide change resulting in the same amino acid change has been previously reported as pathogenic/likely pathogenic with strong evidence (ClinVar ID: VCV000030948 /PMID: 19889517). A different missense change at the same codon (p.Arg363Trp) has been reported as pathogenic/likely pathogenic with strong evidence (ClinVar ID: VCV000030949 /PMID: 19889517). Therefore, this variant is classified as Pathogenic according to the recommendation of ACMG/AMP guideline.

GeneDx
Classification: Pathogenic. Last evaluated: 2024-07-18. Review status: criteria provided, single submitter. Criteria: GeneDx Variant Classification Process June 2021. Collection method: clinical testing. Allele origin: germline. Affected: yes.
Comment: Not observed at significant frequency in large population cohorts (gnomAD); In silico analysis supports that this missense variant has a deleterious effect on protein structure/function; This variant is associated with the following publications: (PMID: 31464584, 27364927, 23530176, 19889517, 29808591, 21888995, 31589614, 22875837, Rejeb2021[article], Turki2024[article], 38965556, 36727401, 38711914, 34657628, 35865784, 37638031)

Blueprint Genetics
Classification: Uncertain significance. Last evaluated: 2023-12-21. Review status: criteria provided, single submitter. Criteria: ACMG Guidelines, 2015. Collection method: clinical testing. Allele origin: germline.

OMIM
Classification: Pathogenic for HISTIOCYTOSIS-LYMPHADENOPATHY PLUS SYNDROME. Last evaluated: 2013-04-01. Review status: no assertion criteria provided. Collection method: literature only. Allele origin: germline. Not counted in ClinVar's aggregate classification.

Literature cited by the submitters: PubMed 19889517 (cited by 3 submitters); PubMed 21888995 (cited by Labcorp Genetics (formerly Invitae), Labcorp and OMIM); PubMed 23530176 (cited by Labcorp Genetics (formerly Invitae), Labcorp and OMIM); PubMed 27364927 (cited by Labcorp Genetics (formerly Invitae), Labcorp); PubMed 29808591 (cited by Labcorp Genetics (formerly Invitae), Labcorp).

NM_018344.6(SLC29A3):c.1088G>A (p.Arg363Gln)

Gene: SLC29A3 (solute carrier family 29 member 3; plus strand). Cytogenetic location: 10q22.1.
Variant type: single nucleotide variant.
Coding change: c.1088G>A on transcript NM_018344.6 (MANE Select); coding-DNA position 1088, G replaced by A.
Protein change: p.Arg363Gln; replaces arginine 363 with glutamine.
Molecular consequence: missense variant. On other transcripts: 3 prime UTR variant (1), non-coding transcript variant (2).
Genome position (GRCh38, 1-based): chr10:71,362,268, G>A. VCF-style: chr10-71362268-G-A. GRCh37 (hg19) VCF-style: chr10-73122025-G-A.
Other names: c.*317G>A (NM_001174098.2); c.854G>A, p.Arg285Gln (NM_001363518.2); short protein forms R363Q, R285Q.
Identifiers: ClinVar variation 30948 (VCV000030948.13), dbSNP rs387907066, ClinGen allele CA129561.